The following is an entry in ClinVar:

ClinVar aggregate classification (germline): Uncertain significance (1 of 4 stars; one submission).

Conditions:
Aicardi-Goutieres syndrome 5. Identifiers: Orphanet 51, MedGen C2749659, MONDO:0013059, OMIM 612952.

Allele frequency attached by ClinVar (database versions not stated): gnomAD exomes below 0.00001; TOPMed 0.00001.
gnomAD v4.1: 3 of 1,612,538 alleles (0.00019%); highest among the groups gnomAD compares: Non-Finnish European, 0.00025%; no homozygotes.

Submission:

Labcorp Genetics (formerly Invitae), Labcorp
Classification: Uncertain significance for Aicardi-Goutieres syndrome 5. Last evaluated: 2022-08-09. Review status: criteria provided, single submitter. Criteria: Invitae Variant Classification Sherloc (09022015). Collection method: clinical testing. Allele origin: germline.
Comment: This sequence change replaces arginine, which is basic and polar, with glycine, which is neutral and non-polar, at codon 97 of the SAMHD1 protein (p.Arg97Gly). This variant is not present in population databases (gnomAD no frequency). This variant has not been reported in the literature in individuals affected with SAMHD1-related conditions. Algorithms developed to predict the effect of missense changes on protein structure and function are either unavailable or do not agree on the potential impact of this missense change (SIFT: "Deleterious"; PolyPhen-2: "Probably Damaging"; Align-GVGD: "Class C0"). Algorithms developed to predict the effect of sequence changes on RNA splicing suggest that this variant may disrupt the consensus splice site. In summary, the available evidence is currently insufficient to determine the role of this variant in disease. Therefore, it has been classified as a Variant of Uncertain Significance.

NM_015474.4(SAMHD1):c.289A>G (p.Arg97Gly)

Gene: SAMHD1 (SAM and HD domain containing deoxynucleoside triphosphate triphosphohydrolase 1; minus strand). Cytogenetic location: 20q11.23.
Variant type: single nucleotide variant.
Coding change: c.289A>G on transcript NM_015474.4 (MANE Select); coding-DNA position 289, A replaced by G.
Protein change: p.Arg97Gly; replaces arginine 97 with glycine.
Molecular consequence: missense variant.
Genome position (GRCh38, 1-based): chr20:36,941,098, T>C on the plus strand (A>G on the coding strand, the complement: SAMHD1 is on the minus strand). VCF-style: chr20-36941098-T-C. GRCh37 (hg19) VCF-style: chr20-35569501-T-C.
Other names: c.289A>G, p.Arg97Gly (NM_001363729.2, NM_001363733.2); short protein forms R97G.
Identifiers: ClinVar variation 1985576 (VCV001985576.1), dbSNP rs1372014614, ClinGen allele CA408827780.